The following is an entry in ClinVar:

NM_000023.4(SGCA):c.434C>A (p.Ala145Glu)

Gene: SGCA (sarcoglycan alpha; plus strand). Cytogenetic location: 17q21.33.
Variant type: single nucleotide variant.
Coding change: c.434C>A on transcript NM_000023.4 (MANE Select); coding-DNA position 434, C replaced by A.
Protein change: p.Ala145Glu; replaces alanine 145 with glutamic acid.
Molecular consequence: missense variant. On other transcripts: non-coding transcript variant (1).
Genome position (GRCh38, 1-based): chr17:50,168,422, C>A. VCF-style: chr17-50168422-C-A. GRCh37 (hg19) VCF-style: chr17-48245783-C-A.
Other names: c.434C>A, p.Ala145Glu (NM_001135697.3); short protein forms A145E.
Identifiers: ClinVar variation 978223 (VCV000978223.23), dbSNP rs372046855, ClinGen allele CA400179868.

ClinVar aggregate classification (germline): Conflicting classifications of pathogenicity. Review status: criteria provided, conflicting classifications (1 of 4 stars). 3 submissions from 3 submitters: Likely pathogenic (1); Uncertain significance (2). Last evaluated 2026-04-13.

Conditions:
Autosomal recessive limb-girdle muscular dystrophy type 2D (LGMDR3). Also called: DUCHENNE-LIKE AUTOSOMAL RECESSIVE MUSCULAR DYSTROPHY, TYPE 2; MUSCULAR DYSTROPHY, LIMB-GIRDLE, AUTOSOMAL RECESSIVE 3; ADHALINOPATHY, PRIMARY. Identifiers: Orphanet 62, MedGen C2936332, MONDO:0011968, OMIM 608099. Disease mechanism: Affects gamma-sarcoglycan and also disrupts the integrity of the entire sarcoglycan complex..
Abnormality of the musculature. Identifiers: MedGen C4021745, HP:0003011.

Allele frequency attached by ClinVar (database versions not stated): TOPMed 0.00004.
gnomAD v4.1: 4 of 1,591,140 alleles (0.00025%); highest among the groups gnomAD compares: East Asian, 0.0045%; no homozygotes.

Submissions (3):

Myriad Genetics, Inc.
Classification: Uncertain significance for Autosomal recessive limb-girdle muscular dystrophy type 2D. Last evaluated: 2026-04-13. Review status: criteria provided, single submitter. Criteria: Myriad Autosomal Dominant, Autosomal Recessive and X-Linked Classification Criteria (2023). Collection method: clinical testing. Allele origin: unknown.
Comment: NM_000023.2(SGCA):c.434C>A(A145E) is a missense variant classified as a variant of uncertain significance in the context of alpha-sarcoglycanopathy. A145E has been observed in cases with relevant disease (PMID: 38374194, 33051934, 21031578). Relevant functional assessments of this variant are not available in the literature. A145E has been observed in referenced population frequency databases. In summary, there is insufficient evidence to classify NM_000023.2(SGCA):c.434C>A(A145E) as pathogenic or benign. Please note: this variant was assessed in the context of healthy population screening.

Kariminejad - Najmabadi Pathology & Genetics Center
Classification: Likely pathogenic for Abnormality of the musculature. Last evaluated: 2021-07-10. Review status: criteria provided, single submitter. Criteria: ACMG Guidelines, 2015. Collection method: clinical testing. Allele origin: germline. Affected: yes.

Laboratory of Inherited Metabolic Diseases, Research centre for medical genetics
Classification: Uncertain significance for Autosomal recessive limb-girdle muscular dystrophy type 2D. Last evaluated: 2020-02-11. Review status: criteria provided, single submitter. Criteria: ACMG Guidelines, 2015. Collection method: clinical testing. Allele origin: germline. Inheritance: Autosomal recessive inheritance. Affected: yes. Observed: 2 variant alleles.
Comment: found in compound with c.787_788insCC

Literature cited by the submitters: PubMed 21031578 (cited by Myriad Genetics, Inc.); PubMed 33051934 (cited by Myriad Genetics, Inc.); PubMed 38374194 (cited by Myriad Genetics, Inc.).